The following is an entry in ClinVar:

NM_207346.3(TSEN54):c.1430+4C>T

Gene: TSEN54 (tRNA splicing endonuclease subunit 54; plus strand). Cytogenetic location: 17q25.1.
Variant type: single nucleotide variant.
Coding change: c.1430+4C>T on transcript NM_207346.3 (MANE Select); 4 bases into the intron after coding-DNA position 1430, C replaced by T.
Molecular consequence: intron variant.
Genome position (GRCh38, 1-based): chr17:75,523,783, C>T. VCF-style: chr17-75523783-C-T. GRCh37 (hg19) VCF-style: chr17-73519864-C-T.
Identifiers: ClinVar variation 325095 (VCV000325095.9), dbSNP rs202109896, ClinGen allele CA8764435.

ClinVar aggregate classification (germline): Conflicting classifications of pathogenicity. Review status: criteria provided, conflicting classifications (1 of 4 stars). 4 submissions from 4 submitters: Uncertain significance (2); Likely benign (1). 1 of the submissions does not count toward it. Last evaluated 2023-12-12.

Conditions:
TSEN54-related disorder. Also called: TSEN54-related condition.
Pontoneocerebellar hypoplasia. Also called: Pontocerebellar hypoplasia; Non-syndromic pontocerebellar hypoplasia. Identifiers: Orphanet 98523, MedGen C1261175, MONDO:0020135.

Allele frequency attached by ClinVar (database versions not stated): gnomAD 0.00004; TOPMed 0.00006.
gnomAD v4.1: 49 of 1,613,028 alleles (0.003%); highest among the groups gnomAD compares: East Asian, 0.027%; no homozygotes.

Submissions (4):

Women's Health and Genetics/Laboratory Corporation of America, LabCorp
Classification: Uncertain significance. Last evaluated: 2023-12-12. Review status: criteria provided, single submitter. Criteria: LabCorp Variant Classification Summary - May 2015. Collection method: clinical testing. Allele origin: germline.

Blueprint Genetics
Classification: Likely benign. Last evaluated: 2023-01-10. Review status: criteria provided, single submitter. Criteria: ACMG Guidelines, 2015. Collection method: clinical testing. Allele origin: germline.

Illumina Laboratory Services, Illumina
Classification: Uncertain significance for Pontoneocerebellar hypoplasia. Last evaluated: 2018-01-13. Review status: criteria provided, single submitter. Criteria: ICSL Variant Classification Criteria 13 December 2019. Collection method: clinical testing. Allele origin: germline.

PreventionGenetics, part of Exact Sciences
Classification: Likely benign for TSEN54-related condition. Last evaluated: 2020-03-20. Review status: no assertion criteria provided. Collection method: clinical testing. Allele origin: germline. Not counted in ClinVar's aggregate classification.
Comment: This variant is classified as likely benign based on ACMG/AMP sequence variant interpretation guidelines (Richards et al. 2015 PMID: 25741868, with internal and published modifications).